The following is an entry in ClinVar:

NM_003476.5(CSRP3):c.82A>G (p.Arg28Gly)

Gene: CSRP3 (cysteine and glycine rich protein 3; minus strand). Cytogenetic location: 11p15.1.
Variant type: single nucleotide variant.
Coding change: c.82A>G on transcript NM_003476.5 (MANE Select); coding-DNA position 82, A replaced by G.
Protein change: p.Arg28Gly; replaces arginine 28 with glycine.
Molecular consequence: missense variant.
Genome position (GRCh38, 1-based): chr11:19,192,367, T>C on the plus strand (A>G on the coding strand, the complement: CSRP3 is on the minus strand). VCF-style: chr11-19192367-T-C. GRCh37 (hg19) VCF-style: chr11-19213914-T-C.
Other names: c.82A>G, p.Arg28Gly (NM_001127656.1, NM_001369404.1); short protein forms R28G.
Identifiers: ClinVar variation 2504293 (VCV002504293.1), dbSNP rs2494229022, ClinGen allele CA379888534.

ClinVar aggregate classification (germline): Uncertain significance (1 of 4 stars; one submission).

Allele frequency attached by ClinVar (database versions not stated): gnomAD exomes below 0.00001.
gnomAD v4.1: 1 of 1,614,230 alleles (0.000062%); highest among the groups gnomAD compares: South Asian, 0.0011%; no homozygotes.

Submission:

GeneDx
Classification: Uncertain significance. Last evaluated: 2023-06-05. Review status: criteria provided, single submitter. Criteria: GeneDx Variant Classification Process June 2021. Collection method: clinical testing. Allele origin: germline. Affected: yes.
Comment: Has not been previously published as pathogenic or benign to our knowledge; Not observed at significant frequency in large population cohorts (gnomAD); In silico analysis supports that this missense variant has a deleterious effect on protein structure/function